The following is an entry in ClinVar:

ClinVar aggregate classification (germline): Likely pathogenic (1 of 4 stars; one submission).

Conditions:
Rubinstein-Taybi syndrome due to EP300 haploinsufficiency. Also called: EP300-Related Rubinstein-Taybi Syndrome; RUBINSTEIN-TAYBI SYNDROME 2. Identifiers: Orphanet 353284, Orphanet 783, MedGen C3150941, MONDO:0013364, OMIM 613684.

Submission:

3billion
Classification: Likely pathogenic for Rubinstein-Taybi syndrome due to EP300 haploinsufficiency. Last evaluated: 2022-03-22. Review status: criteria provided, single submitter. Criteria: ACMG Guidelines, 2015. Collection method: clinical testing. Allele origin: germline. Affected: yes. Observed: 1 heterozygote.
Comment: Canonical splice site: predicted to alter splicing and result in a loss or disruption of normal protein function through nonsense-mediated decay (NMD) or protein truncation. Multiple pathogenic variants are reported downstream of the variant.It is not observed in the gnomAD v2.1.1 dataset. Therefore, this variant is classified as likely pathogenic according to the recommendation of ACMG/AMP guideline.

NM_001429.4(EP300):c.2132-1G>A

Gene: EP300 (EP300 lysine acetyltransferase; plus strand). Cytogenetic location: 22q13.2.
Variant type: single nucleotide variant.
Coding change: c.2132-1G>A on transcript NM_001429.4 (MANE Select); the canonical splice acceptor site of the intron before coding-DNA position 2132, G replaced by A.
Molecular consequence: splice acceptor variant.
Genome position (GRCh38, 1-based): chr22:41,147,836, G>A. VCF-style: chr22-41147836-G-A. GRCh37 (hg19) VCF-style: chr22-41543840-G-A.
Other names: c.2054-1G>A (NM_001362843.2).
Identifiers: ClinVar variation 1526077 (VCV001526077.1), dbSNP rs2145734002, ClinGen allele CA411689867.
Genomic context (GRCh38, chr22:41,147,836, plus strand): 5'-TATCTTTTATTATTCAATTTCACAAAGGCATTCAGATCTAACATTTTGCTCATATTCACA[G>A]GTTTGAATCAATTTGGCCAGATGAGCATGGCCCAGCCCCCTATTGTACCCCGGCAAACCC-3'